The following is an entry in ClinVar:

ClinVar aggregate classification (germline): Uncertain significance (1 of 4 stars; one submission).

Submission:

GeneDx
Classification: Uncertain significance. Last evaluated: 2025-07-25. Review status: criteria provided, single submitter. Criteria: GeneDx Variant Classification Process June 2021. Collection method: clinical testing. Allele origin: germline. Affected: yes.
Comment: Not observed at significant frequency in large population cohorts (gnomAD); In silico analysis supports that this missense variant has a deleterious effect on protein structure/function; Has not been previously published as pathogenic or benign to our knowledge

NM_000836.4(GRIN2D):c.257C>T (p.Pro86Leu)

Gene: GRIN2D (glutamate ionotropic receptor NMDA type subunit 2D; plus strand). Cytogenetic location: 19q13.33.
Variant type: single nucleotide variant.
Coding change: c.257C>T on transcript NM_000836.4 (MANE Select); coding-DNA position 257, C replaced by T.
Protein change: p.Pro86Leu; replaces proline 86 with leucine.
Molecular consequence: missense variant.
Genome position (GRCh38, 1-based): chr19:48,398,649, C>T. VCF-style: chr19-48398649-C-T. GRCh37 (hg19) VCF-style: chr19-48901906-C-T.
Other names: short protein forms P86L.
Identifiers: ClinVar variation 4687085 (VCV004687085.1).